The following is an entry in ClinVar:

ClinVar aggregate classification (germline): Conflicting classifications of pathogenicity. Review status: criteria provided, conflicting classifications (1 of 4 stars). 13 submissions from 13 submitters: Uncertain significance (1); Benign (5); Likely benign (4). 3 of the submissions do not count toward it. Last evaluated 2026-07-10.

Conditions:
AKAP9-related disorder. Also called: AKAP9-related condition.
Familial long QT syndrome (RWS). Also called: VENTRICULAR FIBRILLATION WITH PROLONGED QT INTERVAL; Romano-Ward syndrome; Congenital long QT syndrome. Identifiers: Orphanet 768, MedGen C1141890, MONDO:0019171.
Long QT syndrome (LQTS). Identifiers: MedGen C0023976, MeSH D008133, MONDO:0002442. Disease mechanism: loss of function. Inheritance: Various modes of inheritance.
Long QT syndrome 11 (LQT11). Identifiers: Orphanet 101016, Orphanet 768, MedGen C2678483, MONDO:0012738, OMIM 611820.
Cardiovascular phenotype. Identifiers: MedGen CN230736.

Allele frequency attached by ClinVar (database versions not stated): 1000 Genomes Project 30x 0.00031; 1000 Genomes Project 0.00040; TOPMed 0.00057; ExAC 0.00062; gnomAD 0.00064 and 0.00065; gnomAD exomes 0.00075 and 0.00113; ESP Exome Variant Server 0.00085.
gnomAD v4.1: 1,727 of 1,611,362 alleles (0.11%); highest among the groups gnomAD compares: Non-Finnish European, 0.13%; no homozygotes.

Submissions (13):

PreventionGenetics, part of Exact Sciences
Classification: Likely benign for AKAP9-related condition. Last evaluated: 2026-07-10. Review status: criteria provided, single submitter. Criteria: ACMG Guidelines, 2015. Collection method: clinical testing. Allele origin: germline.
Comment: This variant is classified as likely benign based on ACMG/AMP sequence variant interpretation guidelines (Richards et al. 2015 PMID: 25741868, with internal and published modifications).

Labcorp Genetics (formerly Invitae), Labcorp
Classification: Benign for Long QT syndrome. Last evaluated: 2026-01-11. Review status: criteria provided, single submitter. Criteria: Invitae Variant Classification Sherloc (09022015). Collection method: clinical testing. Allele origin: germline.

Clinical Genomics Laboratory, Washington University in St. Louis
Classification: Uncertain significance for Familial long QT syndrome. Last evaluated: 2025-06-13. Review status: criteria provided, single submitter. Criteria: ACMG Guidelines, 2015. Collection method: clinical testing. Allele origin: germline.
Comment: The AKAP9 c.3223T>C (p.Leu1075=) variant, to our knowledge, has not been reported in the medical literature. This variant has been reported in the ClinVar database as a germline benign/likely benign variant by several submitters (Variation ID: 221111). This variant is observed on 207/279,644 alleles in the general population (gnomAD v.2.1.1). Computational predictors indicate that the variant has no impact on splicing, evidence that this variant does not have a damaging effect on AKAP9 function. Due to limited information, the clinical significance of this variant is uncertain.

Blueprint Genetics
Classification: Likely benign. Last evaluated: 2024-10-11. Review status: criteria provided, single submitter. Criteria: ACMG Guidelines, 2015. Collection method: clinical testing. Allele origin: germline.

CeGaT Center for Human Genetics Tuebingen
Classification: Likely benign. Last evaluated: 2024-03-01. Review status: criteria provided, single submitter. Criteria: CeGaT Center For Human Genetics Tuebingen Variant Classification Criteria Version 2. Collection method: clinical testing. Allele origin: germline. Affected: yes. Observed: 1 variant allele.
Comment: AKAP9: BP4, BP7

ARUP Laboratories, Molecular Genetics and Genomics, ARUP Laboratories
Classification: Benign for Long QT syndrome 11. Last evaluated: 2023-09-06. Review status: criteria provided, single submitter. Criteria: ARUP Molecular Germline Variant Investigation Process 2024. Collection method: clinical testing. Allele origin: germline.

Genome-Nilou Lab
Classification: Benign for Long QT syndrome 11. Last evaluated: 2021-12-05. Review status: criteria provided, single submitter. Criteria: ACMG Guidelines, 2015. Collection method: clinical testing. Allele origin: germline. Affected: no.

Women's Health and Genetics/Laboratory Corporation of America, LabCorp
Classification: Benign. Last evaluated: 2021-02-08. Review status: criteria provided, single submitter. Criteria: LabCorp Variant Classification Summary - May 2015. Collection method: clinical testing. Allele origin: germline.

Ambry Genetics
Classification: Likely benign for Cardiovascular phenotype. Last evaluated: 2016-05-24. Review status: criteria provided, single submitter. Criteria: Ambry Variant Classification Scheme 2023. Collection method: clinical testing. Allele origin: germline.

GeneDx
Classification: Benign. Last evaluated: 2015-03-03. Review status: criteria provided, single submitter. Criteria: GeneDx Variant Classification Process June 2021. Collection method: clinical testing. Allele origin: germline. Affected: yes.

Clinical Genetics DNA and cytogenetics Diagnostics Lab, Erasmus MC, Erasmus Medical Center
Classification: Likely benign. Review status: no assertion criteria provided. Collection method: clinical testing. Allele origin: germline. Affected: yes. Study: VKGL Data-share Consensus. Not counted in ClinVar's aggregate classification.

Clinical Genetics, Academic Medical Center
Classification: Benign. Review status: no assertion criteria provided. Collection method: clinical testing. Allele origin: germline. Affected: yes. Study: VKGL Data-share Consensus. Not counted in ClinVar's aggregate classification.

Joint Genome Diagnostic Labs from Nijmegen and Maastricht, Radboudumc and MUMC+
Classification: Likely benign. Review status: no assertion criteria provided. Collection method: clinical testing. Allele origin: germline. Affected: yes. Study: VKGL Data-share Consensus. Not counted in ClinVar's aggregate classification.

NM_005751.5(AKAP9):c.3223T>C (p.Leu1075=)

Gene: AKAP9 (A-kinase anchoring protein 9; plus strand). Cytogenetic location: 7q21.2.
Variant type: single nucleotide variant.
Coding change: c.3223T>C on transcript NM_005751.5 (MANE Select); coding-DNA position 3223, T replaced by C.
Protein change: p.Leu1075=; no amino-acid change (leucine 1075 retained).
Molecular consequence: synonymous variant.
Genome position (GRCh38, 1-based): chr7:92,003,140, T>C. VCF-style: chr7-92003140-T-C. GRCh37 (hg19) VCF-style: chr7-91632454-T-C.
Other names: c.3223T>C, p.Leu1075= (NM_147185.3).
Identifiers: ClinVar variation 221111 (VCV000221111.54), dbSNP rs143712699, ClinGen allele CA349760.